The following is an entry in ClinVar:

ClinVar aggregate classification (germline): Pathogenic/Likely pathogenic. Review status: criteria provided, multiple submitters, no conflicts (2 of 4 stars). 6 submissions from 6 submitters: Pathogenic (3); Likely pathogenic (3). Last evaluated 2026-07-22.

Conditions:
BEST1-related disorder. Also called: BEST1-related disorders; BEST1-related condition. Identifiers: MedGen CN239200.
Autosomal recessive bestrophinopathy. Also called: Autosomal Recessive Bestrophinopathy (ARB). Identifiers: Orphanet 139455, MedGen C3888198, MONDO:0012733, OMIM 611809.
Autosomal dominant vitreoretinochoroidopathy. Also called: VITREORETINOCHOROIDOPATHY WITH MICROCORNEA, GLAUCOMA, AND CATARACT; VITREORETINOCHOROIDOPATHY, AUTOSOMAL DOMINANT, WITH NANOPHTHALMOS; Autosomal Dominant Vitreoretinochoroidopathy (ADVIRC). Identifiers: Orphanet 263347, Orphanet 3086, MedGen C3888099, MONDO:0008662, OMIM 193220.
Retinitis pigmentosa 50 (RP50). Also called: Retinitis pigmentosa, concentric. Identifiers: Orphanet 791, MedGen C2750789, MONDO:0013175, OMIM 613194.
Vitelliform macular dystrophy 2. Also called: Best Macular Dystrophy; VITELLIFORM MACULAR DYSTROPHY, EARLY-ONSET; VITELLIFORM MACULAR DYSTROPHY, JUVENILE-ONSET; MACULAR DEGENERATION, POLYMORPHIC VITELLINE; Best vitelliform macular dystrophy, multifocal; Best Vitelliform Macular Dystrophy (BVMD). Identifiers: Orphanet 1243, MedGen C2745945, MONDO:0007931, OMIM 153700.

Allele frequency attached by ClinVar (database versions not stated): gnomAD exomes 0.00001; gnomAD 0.00002 and 0.00003; TOPMed 0.00002; ESP Exome Variant Server 0.00008.
gnomAD v4.1: 24 of 1,549,518 alleles (0.0015%); highest among the groups gnomAD compares: African/African-American, 0.0014%; no homozygotes.

Submissions (6):

PreventionGenetics, part of Exact Sciences
Classification: Likely pathogenic for BEST1-related condition. Last evaluated: 2026-07-22. Review status: criteria provided, single submitter. Criteria: ACMG Guidelines, 2015. Collection method: clinical testing. Allele origin: germline.
Comment: The BEST1 c.302C>T variant is predicted to result in the amino acid substitution p.Pro101Leu. This variant has been reported in the homozygous and compound heterozygous states in individuals with presumed autosomal recessive bestrophinopathy (Avela et al. 2018. PubMed ID: 29068140; Khojasteh et al. 2021. PubMed ID: 34012682). This variant has also been reported along with a second BEST1 variant in an individual with retinal disease (Kong et al. 2025. PubMedID: 40724865). This variant has also been reported in the heterozygous state in individuals with presumed autosomal dominant bestrophinopathy (Table S1, Kinnick et al. 2011. PubMed ID: 21273940; Table S1, Stone et al. 2017. PubMed ID: 28559085; Table S1, Karali et al. 2022. PubMed ID: 36460718; Laich et al. 2024. PubMed ID: 38278445). Alternate missense substitutions affecting the same amino acid (p.Pro101Arg, p.Pro101Thr, and p.Pro101Gln) have been reported in multiple individuals with autosomal dominant or recessive bestrophinopathy (see for examples, Lotery et al. 2000. PubMed ID: 10798642; Bianco et al. 2023. PubMed ID: 37717827; Table S1, Lin et al. 2024. PubMed ID: 38219857). The p.Pro101Leu variant occurs within the amino acid region considered a mutational hotspot, where variants have been reported in association with retinal disease (Boon et al. 2009. PubMedID: 19375515). This variant is present in 0.016% of alleles in individuals of European (Finnish) descent in gnomAD. This variant is interpreted as likely pathogenic for autosomal recessive disease and uncertain (suspected pathogenic) for autosomal dominant disease.

Labcorp Genetics (formerly Invitae), Labcorp
Classification: Pathogenic. Last evaluated: 2025-08-25. Review status: criteria provided, single submitter. Criteria: Invitae Variant Classification Sherloc (09022015). Collection method: clinical testing. Allele origin: germline.
Comment: This sequence change replaces proline, which is neutral and non-polar, with leucine, which is neutral and non-polar, at codon 101 of the BEST1 protein (p.Pro101Leu). The frequency data for this variant in the population databases is considered unreliable, as metrics indicate poor data quality at this position in the gnomAD database. This missense change has been observed in individuals with autosomal dominant and autosomal recessive BEST1-related conditions (PMID: 21273940, 28559085, 29068140, 34012682; internal data). ClinVar contains an entry for this variant (Variation ID: 877528). Invitae Evidence Modeling of protein sequence and biophysical properties (such as structural, functional, and spatial information, amino acid conservation, physicochemical variation, residue mobility, and thermodynamic stability) indicates that this missense variant is expected to disrupt BEST1 protein function with a positive predictive value of 95%. This variant disrupts the p.Pro101 amino acid residue in BEST1. Other variant(s) that disrupt this residue have been determined to be pathogenic (PMID: 21273940). This suggests that this residue is clinically significant, and that variants that disrupt this residue are likely to be disease-causing. For these reasons, this variant has been classified as Pathogenic.

Palindrome, Gene Kavoshgaran Aria
Classification: Pathogenic for Autosomal recessive bestrophinopathy. Last evaluated: 2024-11-19. Review status: criteria provided, single submitter. Criteria: ACMG Guidelines, 2015. Collection method: clinical testing. Allele origin: germline. Inheritance: Autosomal recessive inheritance. Affected: yes. Observed: 1 homozygote.

Blueprint Genetics
Classification: Pathogenic for BEST1-related disorders. Last evaluated: 2022-06-08. Review status: criteria provided, single submitter. Criteria: ACMG Guidelines, 2015. Collection method: clinical testing. Allele origin: germline. Affected: yes. Observed: 5 variant alleles.

Centre for Mendelian Genomics, University Medical Centre Ljubljana
Classification: Likely pathogenic for Vitelliform macular dystrophy 2. Last evaluated: 2018-10-15. Review status: criteria provided, single submitter. Criteria: ACMG Guidelines, 2015. Collection method: clinical testing. Allele origin: unknown. Affected: yes.
Comment: This variant was classified as: Likely pathogenic. The following ACMG criteria were applied in classifying this variant: PM1,PM2,PM5,PP2,PP3,.

Juno Genomics, Hangzhou Juno Genomics, Inc
Classification: Likely pathogenic for Autosomal dominant vitreoretinochoroidopathy; Autosomal recessive bestrophinopathy; Vitelliform macular dystrophy 2; Retinitis pigmentosa 50. Review status: criteria provided, single submitter. Criteria: ACMG Guidelines, 2015. Collection method: clinical testing. Allele origin: germline.
Comment: Absent from controls (or at extremely low frequency if recessive) in Genome Aggregation Database.;Multiple lines of computational evidence support a deleterious effect on the gene or gene product.;For recessive disorders, detected in trans with a pathogenic variant.;Patient's phenotype or family history is highly specific for a disease with a single genetic etiology.

Literature cited by the submitters: PubMed 21273940 (cited by Labcorp Genetics (formerly Invitae), Labcorp); PubMed 28559085 (cited by Labcorp Genetics (formerly Invitae), Labcorp); PubMed 29068140 (cited by Labcorp Genetics (formerly Invitae), Labcorp); PubMed 34012682 (cited by Labcorp Genetics (formerly Invitae), Labcorp).

NM_004183.4(BEST1):c.302C>T (p.Pro101Leu)

Gene: BEST1 (bestrophin 1; plus strand). Cytogenetic location: 11q12.3.
Variant type: single nucleotide variant.
Coding change: c.302C>T on transcript NM_004183.4 (MANE Select); coding-DNA position 302, C replaced by T.
Protein change: p.Pro101Leu; replaces proline 101 with leucine.
Molecular consequence: missense variant. On other transcripts: non-coding transcript variant (1).
Genome position (GRCh38, 1-based): chr11:61,955,772, C>T. VCF-style: chr11-61955772-C-T. GRCh37 (hg19) VCF-style: chr11-61723244-C-T.
Other names: c.122C>T, p.Pro41Leu (NM_001139443.3, NM_001300786.2, NM_001300787.2); c.-17C>T (NM_001363591.3); c.302C>T, p.Pro101Leu (NM_001363592.2); c.-874C>T (NM_001363593.3); short protein forms P101L, P41L.
Identifiers: ClinVar variation 877528 (VCV000877528.16), dbSNP rs374517178, ClinGen allele CA222936263.